The following is an entry in ClinVar:

NM_001415.4(EIF2S3):c.529A>G (p.Ile177Val)

Gene: EIF2S3 (eukaryotic translation initiation factor 2 subunit gamma; plus strand). Cytogenetic location: Xp22.11.
Variant type: single nucleotide variant.
Coding change: c.529A>G on transcript NM_001415.4 (MANE Select); coding-DNA position 529, A replaced by G.
Protein change: p.Ile177Val; replaces isoleucine 177 with valine.
Molecular consequence: missense variant.
Genome position (GRCh38, 1-based): chrX:24,062,466, A>G. VCF-style: chrX-24062466-A-G. GRCh37 (hg19) VCF-style: chrX-24080583-A-G.
Other names: short protein forms I177V.
Identifiers: ClinVar variation 3365642 (VCV003365642.2).
Genomic context (GRCh38, chrX:24,062,466, plus strand): 5'-CATCAACTAGCTGGTAATGAATCTTGCCCTCAGCCTCAGACATCGGAACACCTGGCTGCT[A>G]TAGAGATCATGAAACTGAAGCATATTTTGATTCTACAAAATAAAATTGATTTGGTAAAAG-3'
Protein context (NP_001406.1, residues 167-187): QPQTSEHLAA[Ile177Val]EIMKLKHILI

ClinVar aggregate classification (germline): Uncertain significance (1 of 4 stars; one submission).

Submission:

GeneDx
Classification: Uncertain significance. Last evaluated: 2025-10-24. Review status: criteria provided, single submitter. Criteria: GeneDx Variant Classification Process June 2021. Collection method: clinical testing. Allele origin: germline.
Comment: Not observed at significant frequency in large population cohorts (gnomAD); In silico analysis suggests that this missense variant does not alter protein structure/function; Has not been previously published as pathogenic or benign to our knowledge